The following is an entry in ClinVar:

NM_017636.4(TRPM4):c.982C>G (p.Gln328Glu)

Gene: TRPM4 (transient receptor potential cation channel subfamily M member 4; plus strand). Cytogenetic location: 19q13.33.
Variant type: single nucleotide variant.
Coding change: c.982C>G on transcript NM_017636.4 (MANE Select); coding-DNA position 982, C replaced by G.
Protein change: p.Gln328Glu; replaces glutamine 328 with glutamic acid.
Molecular consequence: missense variant. On other transcripts: 5 prime UTR variant (1).
Genome position (GRCh38, 1-based): chr19:49,171,701, C>G. VCF-style: chr19-49171701-C-G. GRCh37 (hg19) VCF-style: chr19-49674958-C-G.
Other names: c.982C>G, p.Gln328Glu (NM_001195227.2); c.637C>G, p.Gln213Glu (NM_001321281.2); c.-572C>G (NM_001321282.2); c.460C>G, p.Gln154Glu (NM_001321283.2); c.133C>G, p.Gln45Glu (NM_001321285.2); short protein forms Q154E, Q213E, Q328E, Q45E.
Identifiers: ClinVar variation 3227039 (VCV003227039.1), dbSNP rs759820855, ClinGen allele CA9569028.

ClinVar aggregate classification (germline): Uncertain significance (1 of 4 stars; one submission).

Conditions:
Cardiovascular phenotype. Identifiers: MedGen CN230736.

gnomAD v4.1: 1 of 1,613,936 alleles (0.000062%); highest among the groups gnomAD compares: South Asian, 0.0011%; no homozygotes.

Submission:

Ambry Genetics
Classification: Uncertain significance for Cardiovascular phenotype. Last evaluated: 2024-03-07. Review status: criteria provided, single submitter. Criteria: Ambry Variant Classification Scheme 2023. Collection method: clinical testing. Allele origin: germline.
Comment: The p.Q328E variant (also known as c.982C>G), located in coding exon 8 of the TRPM4 gene, results from a C to G substitution at nucleotide position 982. The glutamine at codon 328 is replaced by glutamic acid, an amino acid with highly similar properties. This amino acid position is conserved. In addition, this alteration is predicted to be tolerated by in silico analysis. Based on the available evidence, the clinical significance of this alteration remains unclear.